The following is an entry in ClinVar:

NM_017617.5(NOTCH1):c.4793G>A (p.Arg1598His)

Gene: NOTCH1 (notch receptor 1; minus strand). Cytogenetic location: 9q34.3.
Variant type: single nucleotide variant.
Coding change: c.4793G>A on transcript NM_017617.5 (MANE Select); coding-DNA position 4793, G replaced by A.
Protein change: p.Arg1598His; replaces arginine 1598 with histidine.
Molecular consequence: missense variant.
Genome position (GRCh38, 1-based): chr9:136,504,898, C>T on the plus strand (G>A on the coding strand, the complement: NOTCH1 is on the minus strand). VCF-style: chr9-136504898-C-T. GRCh37 (hg19) VCF-style: chr9-139399350-C-T.
Other names: c.4793G>A, p.Arg1598His (LRG_1122t1); short protein forms R1598H.
Identifiers: ClinVar variation 520052 (VCV000520052.23), dbSNP rs755124691, ClinGen allele CA5340516.

ClinVar aggregate classification (germline): Conflicting classifications of pathogenicity. Review status: criteria provided, conflicting classifications (1 of 4 stars). 6 submissions from 5 submitters: Uncertain significance (5); Benign (1). Last evaluated 2025-05-18.

Conditions:
Adams-Oliver syndrome 5 (AOS5). Identifiers: Orphanet 974, MedGen C4014970, MONDO:0014459, OMIM 616028.
Familial thoracic aortic aneurysm and aortic dissection (TAAD). Also called: Thoracic aortic aneurysms and dissections. Identifiers: Orphanet 91387, MedGen C4707243, MONDO:0019625.
Aortic valve disease 1 (AOVD1). Identifiers: MedGen C3887892, MONDO:0024523, OMIM 109730.

Allele frequency attached by ClinVar (database versions not stated): gnomAD 0.00003 and 0.00005; gnomAD exomes 0.00008; ExAC 0.00014; TOPMed 0.00014.
gnomAD v4.1: 115 of 1,584,782 alleles (0.0073%); highest among the groups gnomAD compares: Middle Eastern, 0.033%; no homozygotes.

Submissions (6):

Labcorp Genetics (formerly Invitae), Labcorp
Classification: Benign for Adams-Oliver syndrome 5. Last evaluated: 2025-05-18. Review status: criteria provided, single submitter. Criteria: Invitae Variant Classification Sherloc (09022015). Collection method: clinical testing. Allele origin: germline.

Ambry Genetics
Classification: Uncertain significance for Familial thoracic aortic aneurysm and aortic dissection. Last evaluated: 2024-08-16. Review status: criteria provided, single submitter. Criteria: Ambry Variant Classification Scheme 2023. Collection method: clinical testing. Allele origin: germline.
Comment: The p.R1598H variant (also known as c.4793G>A), located in coding exon 26 of the NOTCH1 gene, results from a G to A substitution at nucleotide position 4793. The arginine at codon 1598 is replaced by histidine, an amino acid with highly similar properties. This amino acid position is not well conserved in available vertebrate species. In addition, this alteration is predicted to be tolerated by in silico analysis. Based on the available evidence, the clinical significance of this variant remains unclear.

GeneDx
Classification: Uncertain significance. Last evaluated: 2024-05-23. Review status: criteria provided, single submitter. Criteria: GeneDx Variant Classification Process June 2021. Collection method: clinical testing. Allele origin: germline. Affected: yes.
Comment: In silico analysis supports that this missense variant does not alter protein structure/function; Has not been previously published as pathogenic or benign in association with NOTCH1-related disorders to our knowledge

Genome-Nilou Lab
Classification: Uncertain significance for Adams-Oliver syndrome 5. Last evaluated: 2022-03-15. Review status: criteria provided, single submitter. Criteria: ACMG Guidelines, 2015. Collection method: clinical testing. Allele origin: germline. Affected: no.

Genome-Nilou Lab
Classification: Uncertain significance for Aortic valve disease 1. Last evaluated: 2022-03-15. Review status: criteria provided, single submitter. Criteria: ACMG Guidelines, 2015. Collection method: clinical testing. Allele origin: germline. Affected: no.

Revvity Omics, Revvity
Classification: Uncertain significance. Last evaluated: 2021-12-21. Review status: criteria provided, single submitter. Criteria: ACMG Guidelines, 2015. Collection method: clinical testing. Allele origin: germline.